The following is an entry in ClinVar:

NM_001164508.2(NEB):c.2678A>G (p.Tyr893Cys)

Gene: NEB (nebulin; minus strand). Cytogenetic location: 2q23.3.
Variant type: single nucleotide variant.
Coding change: c.2678A>G on transcript NM_001164508.2 (MANE Select); coding-DNA position 2678, A replaced by G.
Protein change: p.Tyr893Cys; replaces tyrosine 893 with cysteine.
Molecular consequence: missense variant.
Genome position (GRCh38, 1-based): chr2:151,684,935, T>C on the plus strand (A>G on the coding strand, the complement: NEB is on the minus strand). VCF-style: chr2-151684935-T-C. GRCh37 (hg19) VCF-style: chr2-152541449-T-C.
Other names: c.2678A>G, p.Tyr893Cys (NM_001164507.2, NM_001271208.2, NM_004543.5); short protein forms Y893C.
Identifiers: ClinVar variation 2149482 (VCV002149482.1), dbSNP rs770352276, ClinGen allele CA1911150.

ClinVar aggregate classification (germline): Uncertain significance (1 of 4 stars; one submission).

Conditions:
Nemaline myopathy 2 (NEM2). Also called: Nemaline myopathy 2, autosomal recessive. Identifiers: MedGen C1850569, MONDO:0009725, OMIM 256030.

Allele frequency attached by ClinVar (database versions not stated): gnomAD exomes below 0.00001; ExAC 0.00001.
gnomAD v4.1: 1 of 1,612,616 alleles (0.000062%); highest among the groups gnomAD compares: Non-Finnish European, 0.000085%; no homozygotes.

Submission:

Labcorp Genetics (formerly Invitae), Labcorp
Classification: Uncertain significance for Nemaline myopathy 2. Last evaluated: 2022-01-26. Review status: criteria provided, single submitter. Criteria: Invitae Variant Classification Sherloc (09022015). Collection method: clinical testing. Allele origin: germline.
Comment: This sequence change replaces tyrosine, which is neutral and polar, with cysteine, which is neutral and slightly polar, at codon 893 of the NEB protein (p.Tyr893Cys). The frequency data for this variant in the population databases is considered unreliable, as metrics indicate poor data quality at this position in the gnomAD database. This variant has not been reported in the literature in individuals affected with NEB-related conditions. Algorithms developed to predict the effect of missense changes on protein structure and function are either unavailable or do not agree on the potential impact of this missense change (SIFT: "Deleterious"; PolyPhen-2: "Not Available"; Align-GVGD: "Class C0"). In summary, the available evidence is currently insufficient to determine the role of this variant in disease. Therefore, it has been classified as a Variant of Uncertain Significance.